The following is an entry in ClinVar:

ClinVar aggregate classification (germline): Benign. Review status: criteria provided, multiple submitters, no conflicts (2 of 4 stars). 5 submissions from 4 submitters: Benign (5). Last evaluated 2021-07-14.

Conditions:
Hypercholanemia, familial 1 (FHCA1). Identifiers: Orphanet 238475, MedGen C5542604, MONDO:0031446, OMIM 607748.
Bile acid conjugation defect 1. Also called: HYPERCHOLANEMIA, FAMILIAL 3. Identifiers: MedGen C5543203, MONDO:0030991, OMIM 619232.

Allele frequency attached by ClinVar (database versions not stated): 1000 Genomes Project 30x 0.71268; 1000 Genomes Project 0.71406; TOPMed 0.77417; gnomAD 0.78221 and 0.78680; gnomAD exomes 0.78390 and 0.81597; ExAC 0.78863; ESP Exome Variant Server 0.79794.
gnomAD v4.1: 1,284,860 of 1,581,680 alleles (81%); highest among the groups gnomAD compares: Middle Eastern, 85%; 524,539 homozygotes.

Submissions (5):

Genome-Nilou Lab
Classification: Benign for Bile acid conjugation defect 1. Last evaluated: 2021-07-14. Review status: criteria provided, single submitter. Criteria: ACMG Guidelines, 2015. Collection method: clinical testing. Allele origin: germline. Affected: no.

Genome-Nilou Lab
Classification: Benign for Hypercholanemia, familial 1. Last evaluated: 2021-07-14. Review status: criteria provided, single submitter. Criteria: ACMG Guidelines, 2015. Collection method: clinical testing. Allele origin: germline. Affected: no.

GeneDx
Classification: Benign. Last evaluated: 2018-11-10. Review status: criteria provided, single submitter. Criteria: GeneDx Variant Classification Process June 2021. Collection method: clinical testing. Allele origin: germline. Affected: yes.

Illumina Laboratory Services, Illumina
Classification: Benign for Hypercholanemia, familial 1. Last evaluated: 2018-01-12. Review status: criteria provided, single submitter. Criteria: ICSL Variant Classification Criteria 13 December 2019. Collection method: clinical testing. Allele origin: germline.
Comment: This variant was observed in the ICSL laboratory as part of a predisposition screen in an ostensibly healthy population. It had not been previously curated by ICSL or reported in the Human Gene Mutation Database (HGMD: prior to June 1st, 2018), and was therefore a candidate for classification through an automated scoring system. Utilizing variant allele frequency, disease prevalence and penetrance estimates, and inheritance mode, an automated score was calculated to assess if this variant is too frequent to cause the disease. Based on the score and internal cut-off values, a variant classified as benign is not then subjected to further curation. The score for this variant resulted in a classification of benign for this disease.

Breakthrough Genomics
Classification: Benign. Review status: criteria provided, single submitter. Criteria: ACMG Guidelines, 2015. Collection method: not provided. Allele origin: germline. Inheritance: Autosomal recessive inheritance. Affected: yes.

NM_001701.4(BAAT):c.*46G>A

Gene: BAAT (bile acid-CoA:amino acid N-acyltransferase; minus strand). Cytogenetic location: 9q31.1.
Variant type: single nucleotide variant.
Coding change: c.*46G>A on transcript NM_001701.4 (MANE Select); 46 bases downstream of the stop codon, G replaced by A.
Molecular consequence: 3 prime UTR variant.
Genome position (GRCh38, 1-based): chr9:101,362,382, C>T on the plus strand (G>A on the coding strand, the complement: BAAT is on the minus strand). VCF-style: chr9-101362382-C-T. GRCh37 (hg19) VCF-style: chr9-104124664-C-T.
Other names: c.*46G>A (NM_001127610.2, NM_001374715.1).
Identifiers: ClinVar variation 364275 (VCV000364275.10), dbSNP rs2229594, ClinGen allele CA5160524.